The following is an entry in ClinVar:

ClinVar aggregate classification (germline): Likely benign. Review status: criteria provided, multiple submitters, no conflicts (2 of 4 stars). 3 submissions from 3 submitters: Likely benign (2). 1 of the submissions does not count toward it. Last evaluated 2025-09-14.

Conditions:
TRPM1-related disorder. Also called: TRPM1-related condition.

Allele frequency attached by ClinVar (database versions not stated): gnomAD 0.00004; 1000 Genomes Project 0.00020; 1000 Genomes Project 30x 0.00031.
gnomAD v4.1: 113 of 1,614,238 alleles (0.007%); highest among the groups gnomAD compares: East Asian, 0.19%; no homozygotes.

Submissions (3):

Labcorp Genetics (formerly Invitae), Labcorp
Classification: Likely benign. Last evaluated: 2025-09-14. Review status: criteria provided, single submitter. Criteria: Invitae Variant Classification Sherloc (09022015). Collection method: clinical testing. Allele origin: germline.

Blueprint Genetics
Classification: Likely benign. Last evaluated: 2024-09-17. Review status: criteria provided, single submitter. Criteria: ACMG Guidelines, 2015. Collection method: clinical testing. Allele origin: germline.

PreventionGenetics, part of Exact Sciences
Classification: Likely benign for TRPM1-related condition. Last evaluated: 2019-08-27. Review status: no assertion criteria provided. Collection method: clinical testing. Allele origin: germline. Not counted in ClinVar's aggregate classification.
Comment: This variant is classified as likely benign based on ACMG/AMP sequence variant interpretation guidelines (Richards et al. 2015 PMID: 25741868, with internal and published modifications).

NM_001252024.2(TRPM1):c.4500G>A (p.Thr1500=)

Gene: TRPM1 (transient receptor potential cation channel subfamily M member 1; minus strand). Cytogenetic location: 15q13.3.
Variant type: single nucleotide variant.
Coding change: c.4500G>A on transcript NM_001252024.2 (MANE Select); coding-DNA position 4500, G replaced by A.
Protein change: p.Thr1500=; no amino-acid change (threonine 1500 retained).
Molecular consequence: synonymous variant.
Genome position (GRCh38, 1-based): chr15:31,002,200, C>T on the plus strand (G>A on the coding strand, the complement: TRPM1 is on the minus strand). VCF-style: chr15-31002200-C-T. GRCh37 (hg19) VCF-style: chr15-31294403-C-T.
Other names: c.4551G>A (NM_001252020.1); c.4551G>A, p.Thr1517= (NM_001252020.2); c.4434G>A, p.Thr1478= (NM_002420.6).
Identifiers: ClinVar variation 1903360 (VCV001903360.8), dbSNP rs541509409, ClinGen allele CA7451631.